The following is an entry in ClinVar:

NM_012232.6(CAVIN1):c.459C>A (p.Val153=)

Gene: CAVIN1 (caveolae associated protein 1; minus strand). Cytogenetic location: 17q21.2.
Variant type: single nucleotide variant.
Coding change: c.459C>A on transcript NM_012232.6 (MANE Select); coding-DNA position 459, C replaced by A.
Protein change: p.Val153=; no amino-acid change (valine 153 retained).
Molecular consequence: synonymous variant.
Genome position (GRCh38, 1-based): chr17:42,422,639, G>T on the plus strand (C>A on the coding strand, the complement: CAVIN1 is on the minus strand). VCF-style: chr17-42422639-G-T. GRCh37 (hg19) VCF-style: chr17-40574657-G-T.
Identifiers: ClinVar variation 3054169 (VCV003054169.3), dbSNP rs774514924, ClinGen allele CA8575873.

ClinVar aggregate classification (germline): Likely benign. Review status: criteria provided, single submitter (1 of 4 stars). 2 submissions from 2 submitters: Likely benign (1). 1 of the submissions does not count toward it. Last evaluated 2025-11-05.

Conditions:
CAVIN1-related disorder. Also called: CAVIN1-related condition.

Allele frequency attached by ClinVar (database versions not stated): TOPMed 0.00002.
gnomAD v4.1: 3 of 1,582,014 alleles (0.00019%); highest among the groups gnomAD compares: African/African-American, 0.0027%; no homozygotes.

Submissions (2):

Labcorp Genetics (formerly Invitae), Labcorp
Classification: Likely benign. Last evaluated: 2025-11-05. Review status: criteria provided, single submitter. Criteria: Invitae Variant Classification Sherloc (09022015). Collection method: clinical testing. Allele origin: germline.

PreventionGenetics, part of Exact Sciences
Classification: Likely benign for CAVIN1-related condition. Last evaluated: 2023-10-05. Review status: no assertion criteria provided. Collection method: clinical testing. Allele origin: germline. Not counted in ClinVar's aggregate classification.
Comment: This variant is classified as likely benign based on ACMG/AMP sequence variant interpretation guidelines (Richards et al. 2015 PMID: 25741868, with internal and published modifications).